The following is an entry in ClinVar:

ClinVar aggregate classification (germline): Uncertain significance (1 of 4 stars; one submission).

Conditions:
Autosomal dominant nonsyndromic hearing loss 20. Identifiers: Orphanet 90635, MedGen C1858172, MONDO:0011480, OMIM 604717.
Baraitser-winter syndrome 2. Identifiers: Orphanet 2995, MedGen C3281235, MONDO:0013812, OMIM 614583.

Submission:

Labcorp Genetics (formerly Invitae), Labcorp
Classification: Uncertain significance for Baraitser-winter syndrome 2; Autosomal dominant nonsyndromic hearing loss 20. Last evaluated: 2024-07-24. Review status: criteria provided, single submitter. Criteria: Invitae Variant Classification Sherloc (09022015). Collection method: clinical testing. Allele origin: germline.
Comment: This sequence change replaces phenylalanine, which is neutral and non-polar, with leucine, which is neutral and non-polar, at codon 255 of the ACTG1 protein (p.Phe255Leu). This variant is not present in population databases (gnomAD no frequency). This variant has not been reported in the literature in individuals affected with ACTG1-related conditions. Advanced modeling of protein sequence and biophysical properties (such as structural, functional, and spatial information, amino acid conservation, physicochemical variation, residue mobility, and thermodynamic stability) performed at Invitae indicates that this missense variant is not expected to disrupt ACTG1 protein function with a negative predictive value of 80%. In summary, the available evidence is currently insufficient to determine the role of this variant in disease. Therefore, it has been classified as a Variant of Uncertain Significance.

NM_001614.5(ACTG1):c.763T>C (p.Phe255Leu)

Gene: ACTG1 (actin gamma 1; minus strand). Cytogenetic location: 17q25.3.
Variant type: single nucleotide variant.
Coding change: c.763T>C on transcript NM_001614.5 (MANE Select); coding-DNA position 763, T replaced by C.
Protein change: p.Phe255Leu; replaces phenylalanine 255 with leucine.
Molecular consequence: missense variant. On other transcripts: non-coding transcript variant (1).
Genome position (GRCh38, 1-based): chr17:81,511,227, A>G on the plus strand (T>C on the coding strand, the complement: ACTG1 is on the minus strand). VCF-style: chr17-81511227-A-G. GRCh37 (hg19) VCF-style: chr17-79478253-A-G.
Other names: c.763T>C, p.Phe255Leu (NM_001199954.3); short protein forms F255L.
Identifiers: ClinVar variation 3757386 (VCV003757386.2).